The following is an entry in ClinVar:

NM_001164665.2(KIAA1549):c.356A>C (p.Asp119Ala)

Gene: KIAA1549 (KIAA1549; minus strand). Cytogenetic location: 7q34.
Variant type: single nucleotide variant.
Coding change: c.356A>C on transcript NM_001164665.2 (MANE Select); coding-DNA position 356, A replaced by C.
Protein change: p.Asp119Ala; replaces aspartic acid 119 with alanine.
Molecular consequence: missense variant.
Genome position (GRCh38, 1-based): chr7:138,919,270, T>G on the plus strand (A>C on the coding strand, the complement: KIAA1549 is on the minus strand). VCF-style: chr7-138919270-T-G. GRCh37 (hg19) VCF-style: chr7-138604016-T-G.
Other names: c.356A>C, p.Asp119Ala (NM_020910.3); c.356A>C (NM_001164665.1); short protein forms D119A.
Identifiers: ClinVar variation 1019517 (VCV001019517.10), dbSNP rs1563078315, ClinGen allele CA369403245.

ClinVar aggregate classification (germline): Uncertain significance. Review status: criteria provided, multiple submitters, no conflicts (2 of 4 stars). 3 submissions from 3 submitters: Uncertain significance (3). Last evaluated 2025-09-22.

Conditions:
Inborn genetic diseases. Identifiers: MedGen C0950123, MeSH D030342.

Allele frequency attached by ClinVar (database versions not stated): gnomAD exomes below 0.00001; TOPMed below 0.00001; gnomAD 0.00001.
gnomAD v4.1: 6 of 1,613,842 alleles (0.00037%); highest among the groups gnomAD compares: Non-Finnish European, 0.00051%; no homozygotes.

Submissions (3):

Ambry Genetics
Classification: Uncertain significance for Inborn genetic diseases. Last evaluated: 2025-09-22. Review status: criteria provided, single submitter. Criteria: Ambry Variant Classification Scheme 2023. Collection method: clinical testing. Allele origin: germline.

Labcorp Genetics (formerly Invitae), Labcorp
Classification: Uncertain significance. Last evaluated: 2025-09-17. Review status: criteria provided, single submitter. Criteria: Invitae Variant Classification Sherloc (09022015). Collection method: clinical testing. Allele origin: germline.
Comment: This sequence change replaces aspartic acid, which is acidic and polar, with alanine, which is neutral and non-polar, at codon 119 of the KIAA1549 protein (p.Asp119Ala). This variant is not present in population databases (gnomAD no frequency). This variant has not been reported in the literature in individuals affected with KIAA1549-related conditions. ClinVar contains an entry for this variant (Variation ID: 1019517). An algorithm developed to predict the effect of missense changes on protein structure and function (PolyPhen-2) suggests that this variant is likely to be disruptive. In summary, the available evidence is currently insufficient to determine the role of this variant in disease. Therefore, it has been classified as a Variant of Uncertain Significance.

Blueprint Genetics
Classification: Uncertain significance. Last evaluated: 2022-01-07. Review status: criteria provided, single submitter. Criteria: ACMG Guidelines, 2015. Collection method: clinical testing. Allele origin: germline.